The following is an entry in ClinVar:

NM_025114.4(CEP290):c.2423A>G (p.Tyr808Cys)

Gene: CEP290 (centrosomal protein 290; minus strand). Cytogenetic location: 12q21.32.
Variant type: single nucleotide variant.
Coding change: c.2423A>G on transcript NM_025114.4 (MANE Select); coding-DNA position 2423, A replaced by G.
Protein change: p.Tyr808Cys; replaces tyrosine 808 with cysteine.
Molecular consequence: missense variant.
Genome position (GRCh38, 1-based): chr12:88,109,126, T>C on the plus strand (A>G on the coding strand, the complement: CEP290 is on the minus strand). VCF-style: chr12-88109126-T-C. GRCh37 (hg19) VCF-style: chr12-88502903-T-C.
Other names: short protein forms Y808C.
Identifiers: ClinVar variation 565773 (VCV000565773.16), dbSNP rs773007151, ClinGen allele CA6712334.
Genomic context (GRCh38, chr12:88,109,126, plus strand): 5'-CTTAGGTATTCTTTATACAACAAACTTTGTTGATGACGAATTACAGCAAATTTTCTGTTG[T>C]AATCTTCAAGAGAATCTTCTAAATTCTTTAACTTTTTTTCTTTATTTTCTAGTTCCTGAA-3'
Protein context (NP_079390.3, residues 798-818): LKNLEDSLED[Tyr808Cys]NRKFAVIRHQ

ClinVar aggregate classification (germline): Uncertain significance. Review status: criteria provided, multiple submitters, no conflicts (2 of 4 stars). 6 submissions from 6 submitters: Uncertain significance (4). 2 of the submissions do not count toward it. Last evaluated 2022-04-06.

Conditions:
Joubert syndrome 5 (JBTS5). Identifiers: Orphanet 2318, MedGen C1857780, MONDO:0012432, OMIM 610188.
CEP290-related disorder. Also called: CEP290-related condition; CEP290-related disorders. Identifiers: MedGen CN239314.
Leber congenital amaurosis (LCA). Also called: Leber's amaurosis. Identifiers: Orphanet 65, MedGen C0339527, MeSH D057130, MONDO:0018998.
Meckel-Gruber syndrome. Also called: DYSENCEPHALIA SPLANCHNOCYSTICA; GRUBER SYNDROME; Dysencephalia splachnocystica. Identifiers: Orphanet 564, MedGen C0265215, MONDO:0018921.
Nephronophthisis. Also called: Juvenile Nephronophthisis. Identifiers: Orphanet 655, MedGen C0687120, MONDO:0019005, HP:0000090.
Joubert syndrome. Also called: JOUBERT-BOLTSHAUSER SYNDROME; Familial aplasia of the vermis. Identifiers: Orphanet 475, MedGen C5979921, MONDO:0018772.

Allele frequency attached by ClinVar (database versions not stated): gnomAD 0.00001; TOPMed 0.00002; gnomAD exomes 0.00003 and 0.00009; ExAC 0.00013.
gnomAD v4.1: 42 of 1,472,294 alleles (0.0029%); highest among the groups gnomAD compares: Middle Eastern, 0.036%; no homozygotes.

Submissions (6):

Labcorp Genetics (formerly Invitae), Labcorp
Classification: Uncertain significance for Joubert syndrome; Meckel-Gruber syndrome; Nephronophthisis. Last evaluated: 2022-04-06. Review status: criteria provided, single submitter. Criteria: Invitae Variant Classification Sherloc (09022015). Collection method: clinical testing. Allele origin: germline.
Comment: This sequence change replaces tyrosine, which is neutral and polar, with cysteine, which is neutral and slightly polar, at codon 808 of the CEP290 protein (p.Tyr808Cys). This variant is present in population databases (rs773007151, gnomAD 0.01%). This variant has not been reported in the literature in individuals affected with CEP290-related conditions. ClinVar contains an entry for this variant (Variation ID: 565773). Algorithms developed to predict the effect of missense changes on protein structure and function are either unavailable or do not agree on the potential impact of this missense change (SIFT: "Deleterious"; PolyPhen-2: "Probably Damaging"; Align-GVGD: "Class C0"). In summary, the available evidence is currently insufficient to determine the role of this variant in disease. Therefore, it has been classified as a Variant of Uncertain Significance.

Genome-Nilou Lab
Classification: Uncertain significance for Joubert syndrome 5. Last evaluated: 2021-06-10. Review status: criteria provided, single submitter. Criteria: ACMG Guidelines, 2015. Collection method: clinical testing. Allele origin: germline. Affected: no.

GeneDx
Classification: Uncertain significance. Last evaluated: 2020-07-15. Review status: criteria provided, single submitter. Criteria: GeneDx Variant Classification Process June 2021. Collection method: clinical testing. Allele origin: germline. Affected: yes.
Comment: Not observed at a significant frequency in large population cohorts (Lek et al., 2016); In silico analysis supports that this missense variant has a deleterious effect on protein structure/function; Has not been previously published as pathogenic or benign to our knowledge

Blueprint Genetics
Classification: Uncertain significance. Last evaluated: 2020-04-09. Review status: criteria provided, single submitter. Criteria: ACMG Guidelines, 2015. Collection method: clinical testing. Allele origin: germline.

PreventionGenetics, part of Exact Sciences
Classification: Uncertain significance for CEP290-related condition. Last evaluated: 2024-02-21. Review status: no assertion criteria provided. Collection method: clinical testing. Allele origin: germline. Not counted in ClinVar's aggregate classification.
Comment: The CEP290 c.2423A>G variant is predicted to result in the amino acid substitution p.Tyr808Cys. This variant was reported in the homozygous state in an individual with intellectual disability and ADHD (Arteche-López et al. 2021. PubMed ID: 33921431). This variant is reported in 0.014% of alleles in individuals of European (Non-Finnish) descent in gnomAD. At this time, the clinical significance of this variant is uncertain due to the absence of conclusive functional and genetic evidence.

Natera, Inc.
Classification: Uncertain significance for Leber congenital amaurosis. Last evaluated: 2020-04-17. Review status: no assertion criteria provided. Collection method: clinical testing. Allele origin: germline. Not counted in ClinVar's aggregate classification.